The following is an entry in ClinVar:

NM_001379451.1(BCORL1):c.2174C>G (p.Pro725Arg)

Gene: BCORL1 (BCL6 corepressor like 1; plus strand). Cytogenetic location: Xq26.1.
Variant type: single nucleotide variant.
Coding change: c.2174C>G on transcript NM_001379451.1 (MANE Select); coding-DNA position 2174, C replaced by G.
Protein change: p.Pro725Arg; replaces proline 725 with arginine.
Molecular consequence: missense variant.
Genome position (GRCh38, 1-based): chrX:130,014,946, C>G. VCF-style: chrX-130014946-C-G. GRCh37 (hg19) VCF-style: chrX-129148922-C-G.
Other names: NC_000023.10:g.129148922C>G; c.2174C>G, p.Pro725Arg (NM_001184772.3, NM_001379450.1, NM_021946.5); short protein forms P725R.
Identifiers: ClinVar variation 1702664 (VCV001702664.4), dbSNP rs1429394573, ClinGen allele CA414588979.

ClinVar aggregate classification (germline): Uncertain significance (1 of 4 stars; one submission).

Allele frequency attached by ClinVar (database versions not stated): TOPMed 0.00002.

Submissions (2):

GeneDx
Classification: Uncertain significance. Last evaluated: 2026-08-04. Review status: criteria provided, single submitter. Criteria: GeneDx Variant Classification Process June 2021. Collection method: clinical testing. Allele origin: germline.
Comment: Not observed at significant frequency in large population cohorts (gnomAD); In silico analysis supports that this missense variant has a deleterious effect on protein structure/function; Has not been previously published as pathogenic or benign to our knowledge

Dr. Peter K. Rogan Lab, Western University
No classification provided (evidence only). Condition: Thyroid cancer, nonmedullary, 1. Review status: no classification provided. Collection method: in vitro. Allele origin: not applicable. Functional consequence: retained intron. Not counted in ClinVar's aggregate classification.